The following is an entry in ClinVar:

ClinVar aggregate classification (germline): Uncertain significance (1 of 4 stars; one submission).

Submission:

Labcorp Genetics (formerly Invitae), Labcorp
Classification: Uncertain significance. Last evaluated: 2024-11-11. Review status: criteria provided, single submitter. Criteria: Invitae Variant Classification Sherloc (09022015). Collection method: clinical testing. Allele origin: germline.
Comment: This sequence change replaces lysine, which is basic and polar, with threonine, which is neutral and polar, at codon 109 of the NDUFAF5 protein (p.Lys109Thr). This variant is not present in population databases (gnomAD no frequency). This variant has not been reported in the literature in individuals affected with NDUFAF5-related conditions. ClinVar contains an entry for this variant (Variation ID: 2881980). Invitae Evidence Modeling of protein sequence and biophysical properties (such as structural, functional, and spatial information, amino acid conservation, physicochemical variation, residue mobility, and thermodynamic stability) has been performed for this missense variant. However, the output from this modeling did not meet the statistical confidence thresholds required to predict the impact of this variant on NDUFAF5 protein function. Algorithms developed to predict the effect of sequence changes on RNA splicing suggest that this variant may disrupt the consensus splice site. This variant disrupts the p.Lys109 amino acid residue in NDUFAF5. Other variant(s) that disrupt this residue have been determined to be pathogenic (PMID: 30473481). This suggests that this residue is clinically significant, and that variants that disrupt this residue are likely to be disease-causing. In summary, the available evidence is currently insufficient to determine the role of this variant in disease. Therefore, it has been classified as a Variant of Uncertain Significance.

Literature cited by the submitters: PubMed 30473481.

NM_024120.5(NDUFAF5):c.326A>C (p.Lys109Thr)

Gene: NDUFAF5 (NADH:ubiquinone oxidoreductase complex assembly factor 5; plus strand). Cytogenetic location: 20p12.1.
Variant type: single nucleotide variant.
Coding change: c.326A>C on transcript NM_024120.5 (MANE Select); coding-DNA position 326, A replaced by C.
Protein change: p.Lys109Thr; replaces lysine 109 with threonine.
Molecular consequence: missense variant. On other transcripts: 5 prime UTR variant (3), non-coding transcript variant (7).
Genome position (GRCh38, 1-based): chr20:13,788,651, A>C. VCF-style: chr20-13788651-A-C. GRCh37 (hg19) VCF-style: chr20-13769297-A-C.
Other names: c.326A>C, p.Lys109Thr (NM_001039375.3, NM_001352408.2); c.-42A>C (NM_001352403.2); c.-256A>C (NM_001352406.2); c.-236A>C (NM_001352407.2); short protein forms K109T.
Identifiers: ClinVar variation 2881980 (VCV002881980.3), dbSNP rs1265268040, ClinGen allele CA408282745.